The following is an entry in ClinVar:

NM_177977.3(HAP1):c.1514C>T (p.Ala505Val)

Gene: HAP1 (huntingtin associated protein 1; minus strand). Cytogenetic location: 17q21.2.
Variant type: single nucleotide variant.
Coding change: c.1514C>T on transcript NM_177977.3 (MANE Select); coding-DNA position 1514, C replaced by T.
Protein change: p.Ala505Val; replaces alanine 505 with valine.
Molecular consequence: missense variant. On other transcripts: intron variant (1).
Genome position (GRCh38, 1-based): chr17:41,725,047, G>A on the plus strand (C>T on the coding strand, the complement: HAP1 is on the minus strand). VCF-style: chr17-41725047-G-A. GRCh37 (hg19) VCF-style: chr17-39881299-G-A.
Other names: c.1463C>T, p.Ala488Val (NM_001079870.1); c.1439C>T, p.Ala480Val (NM_001079871.1, NM_001367461.1); c.1610C>T, p.Ala537Val (NM_001367459.1); c.1574C>T, p.Ala525Val (NM_001367460.1); c.1331+812C>T (NM_001367462.1); short protein forms A480V, A488V, A505V, A525V, A537V.
Identifiers: ClinVar variation 3037352 (VCV003037352.2), dbSNP rs34853043, ClinGen allele CA8564285.

ClinVar aggregate classification (germline): Benign (0 of 4 stars; one submission).

Conditions:
HAP1-related disorder. Also called: HAP1-related condition.

Allele frequency attached by ClinVar (database versions not stated): 1000 Genomes Project 0.03195; gnomAD 0.03272; 1000 Genomes Project 30x 0.03357; ESP Exome Variant Server 0.03775.

Submission:

PreventionGenetics, part of Exact Sciences
Classification: Benign for HAP1-related condition. Last evaluated: 2019-02-28. Review status: no assertion criteria provided. Collection method: clinical testing. Allele origin: germline.
Comment: This variant is classified as benign based on ACMG/AMP sequence variant interpretation guidelines (Richards et al. 2015 PMID: 25741868, with internal and published modifications).